The following is an entry in ClinVar:

NM_022132.5(MCCC2):c.1342G>A (p.Gly448Arg)

Gene: MCCC2 (methylcrotonyl-CoA carboxylase subunit 2; plus strand). Cytogenetic location: 5q13.2.
Variant type: single nucleotide variant.
Coding change: c.1342G>A on transcript NM_022132.5 (MANE Select); coding-DNA position 1342, G replaced by A.
Protein change: p.Gly448Arg; replaces glycine 448 with arginine.
Molecular consequence: missense variant.
Genome position (GRCh38, 1-based): chr5:71,649,222, G>A. VCF-style: chr5-71649222-G-A. GRCh37 (hg19) VCF-style: chr5-70945049-G-A.
Other names: c.1228G>A, p.Gly410Arg (NM_001363147.1); short protein forms G410R, G448R.
Identifiers: ClinVar variation 1471664 (VCV001471664.11), dbSNP rs766045910, ClinGen allele CA3298111.

ClinVar aggregate classification (germline): Conflicting classifications of pathogenicity. Review status: criteria provided, conflicting classifications (1 of 4 stars). 3 submissions from 3 submitters: Pathogenic (1); Likely pathogenic (1); Uncertain significance (1). Last evaluated 2026-01-21.

Conditions:
3-methylcrotonyl-CoA carboxylase 2 deficiency. Also called: 3 alpha methylcrotonyl-CoA carboxylase 2 deficiency; 3 alpha methylcrotonylglycinuria 2; MCC 2 deficiency; Methylcrotonylglycinuria type 2; METHYLCROTONYLGLYCINURIA, TYPE II. Identifiers: Orphanet 6, MedGen C1859499, MONDO:0008862, OMIM 210210.

Allele frequency attached by ClinVar (database versions not stated): gnomAD 0.00001; gnomAD exomes 0.00001 and 0.00003; TOPMed 0.00001; ExAC 0.00002.
gnomAD v4.1: 18 of 1,613,986 alleles (0.0011%); highest among the groups gnomAD compares: East Asian, 0.0067%; no homozygotes.

Submissions (3):

Labcorp Genetics (formerly Invitae), Labcorp
Classification: Pathogenic for 3-methylcrotonyl-CoA carboxylase 2 deficiency. Last evaluated: 2026-01-21. Review status: criteria provided, single submitter. Criteria: Invitae Variant Classification Sherloc (09022015). Collection method: clinical testing. Allele origin: germline.
Comment: This sequence change replaces glycine, which is neutral and non-polar, with arginine, which is basic and polar, at codon 448 of the MCCC2 protein (p.Gly448Arg). This variant is present in population databases (rs766045910, gnomAD 0.01%). This missense change has been observed in individual(s) with clinical and/or biochemical features of 3-methylcrotonyl-CoA carboxylase deficiency (PMID: 33423264, 36822454; internal data). In at least one individual the data is consistent with being in trans (on the opposite chromosome) from a pathogenic variant. ClinVar contains an entry for this variant (Variation ID: 1471664). Invitae Evidence Modeling of protein sequence and biophysical properties (such as structural, functional, and spatial information, amino acid conservation, physicochemical variation, residue mobility, and thermodynamic stability) indicates that this missense variant is expected to disrupt MCCC2 protein function with a positive predictive value of 80%. For these reasons, this variant has been classified as Pathogenic.

Baylor Genetics
Classification: Likely pathogenic for 3-methylcrotonyl-CoA carboxylase 2 deficiency. Last evaluated: 2024-03-09. Review status: criteria provided, single submitter. Criteria: ACMG Guidelines, 2015. Collection method: clinical testing. Allele origin: unknown.

Revvity Omics, Revvity
Classification: Uncertain significance for 3-methylcrotonyl-CoA carboxylase 2 deficiency. Last evaluated: 2023-01-24. Review status: criteria provided, single submitter. Criteria: ACMG Guidelines, 2015. Collection method: clinical testing. Allele origin: germline.

Literature cited by the submitters: PubMed 33423264 (cited by Labcorp Genetics (formerly Invitae), Labcorp); PubMed 36822454 (cited by Labcorp Genetics (formerly Invitae), Labcorp).